The following is an entry in ClinVar:

NM_004655.4(AXIN2):c.1183C>G (p.Leu395Val)

Gene: AXIN2 (axin 2; minus strand). Cytogenetic location: 17q24.1.
Variant type: single nucleotide variant.
Coding change: c.1183C>G on transcript NM_004655.4 (MANE Select); coding-DNA position 1183, C replaced by G.
Protein change: p.Leu395Val; replaces leucine 395 with valine.
Molecular consequence: missense variant.
Genome position (GRCh38, 1-based): chr17:65,538,220, G>C on the plus strand (C>G on the coding strand, the complement: AXIN2 is on the minus strand). VCF-style: chr17-65538220-G-C. GRCh37 (hg19) VCF-style: chr17-63534338-G-C.
Other names: c.1183C>G, p.Leu395Val (NM_001363813.1); short protein forms L395V.
Identifiers: ClinVar variation 858938 (VCV000858938.12), dbSNP rs373087123, ClinGen allele CA293098928.

ClinVar aggregate classification (germline): Uncertain significance. Review status: criteria provided, multiple submitters, no conflicts (2 of 4 stars). 3 submissions from 3 submitters: Uncertain significance (3). Last evaluated 2025-07-25.

Conditions:
Colorectal cancer. Also called: Malignant Colorectal Neoplasm; Colorectal cancer, somatic. Identifiers: MedGen C0346629, MONDO:0005575, OMIM 114500.
Hereditary cancer-predisposing syndrome. Also called: Tumor predisposition; Hereditary neoplastic syndrome; Neoplastic Syndromes, Hereditary; Hereditary Cancer Syndrome. Identifiers: Orphanet 140162, MedGen C0027672, MeSH D009386, MONDO:0015356.
Oligodontia-cancer predisposition syndrome. Also called: TOOTH AGENESIS-COLORECTAL CANCER SYNDROME. Identifiers: Orphanet 300576, MedGen C1837750, MONDO:0012075, OMIM 608615. Disease mechanism: loss of function.

Allele frequency attached by ClinVar (database versions not stated): gnomAD exomes below 0.00001; gnomAD 0.00001; TOPMed 0.00001; ESP Exome Variant Server 0.00008.
gnomAD v4.1: 3 of 1,614,130 alleles (0.00019%); highest among the groups gnomAD compares: African/African-American, 0.0027%; no homozygotes.

Submissions (3):

Labcorp Genetics (formerly Invitae), Labcorp
Classification: Uncertain significance for Oligodontia-cancer predisposition syndrome. Last evaluated: 2025-07-25. Review status: criteria provided, single submitter. Criteria: Invitae Variant Classification Sherloc (09022015). Collection method: clinical testing. Allele origin: germline.
Comment: This sequence change replaces leucine, which is neutral and non-polar, with valine, which is neutral and non-polar, at codon 395 of the AXIN2 protein (p.Leu395Val). This variant is present in population databases (rs373087123, gnomAD no frequency). This variant has not been reported in the literature in individuals affected with AXIN2-related conditions. ClinVar contains an entry for this variant (Variation ID: 858938). Invitae Evidence Modeling of protein sequence and biophysical properties (such as structural, functional, and spatial information, amino acid conservation, physicochemical variation, residue mobility, and thermodynamic stability) indicates that this missense variant is expected to disrupt AXIN2 protein function with a positive predictive value of 80%. In summary, the available evidence is currently insufficient to determine the role of this variant in disease. Therefore, it has been classified as a Variant of Uncertain Significance.

Ambry Genetics
Classification: Uncertain significance for Hereditary cancer-predisposing syndrome. Last evaluated: 2023-11-15. Review status: criteria provided, single submitter. Criteria: Ambry Variant Classification Scheme 2023. Collection method: clinical testing. Allele origin: germline.
Comment: The p.L395V variant (also known as c.1183C>G), located in coding exon 4 of the AXIN2 gene, results from a C to G substitution at nucleotide position 1183. The leucine at codon 395 is replaced by valine, an amino acid with highly similar properties. This amino acid position is highly conserved in available vertebrate species. In addition, the in silico prediction for this alteration is inconclusive. Since supporting evidence is limited at this time, the clinical significance of this alteration remains unclear.

Baylor Genetics
Classification: Uncertain significance for Colorectal cancer. Last evaluated: 2023-09-01. Review status: criteria provided, single submitter. Criteria: ACMG Guidelines, 2015. Collection method: clinical testing. Allele origin: unknown.